The following is an entry in ClinVar:

ClinVar aggregate classification (germline): Uncertain significance. Review status: criteria provided, multiple submitters, no conflicts (2 of 4 stars). 2 submissions from 2 submitters: Uncertain significance (2). Last evaluated 2023-03-01.

Submissions (2):

Ambry Genetics
Classification: Uncertain significance. Last evaluated: 2023-03-01. Review status: criteria provided, single submitter. Criteria: Ambry Variant Classification Scheme 2023. Collection method: clinical testing. Allele origin: germline.

Labcorp Genetics (formerly Invitae), Labcorp
Classification: Uncertain significance. Last evaluated: 2022-03-12. Review status: criteria provided, single submitter. Criteria: Invitae Variant Classification Sherloc (09022015). Collection method: clinical testing. Allele origin: germline.
Comment: In summary, the available evidence is currently insufficient to determine the role of this variant in disease. Therefore, it has been classified as a Variant of Uncertain Significance. Algorithms developed to predict the effect of missense changes on protein structure and function output the following: SIFT: "Tolerated"; PolyPhen-2: "Benign"; Align-GVGD: "Class C0". The leucine amino acid residue is found in multiple mammalian species, which suggests that this missense change does not adversely affect protein function. This variant has not been reported in the literature in individuals affected with SPPL2A-related conditions. This variant is not present in population databases (gnomAD no frequency). This sequence change replaces isoleucine, which is neutral and non-polar, with leucine, which is neutral and non-polar, at codon 135 of the SPPL2A protein (p.Ile135Leu).

NM_032802.4(SPPL2A):c.403A>T (p.Ile135Leu)

Gene: SPPL2A (signal peptide peptidase like 2A; minus strand). Cytogenetic location: 15q21.2.
Variant type: single nucleotide variant.
Coding change: c.403A>T on transcript NM_032802.4 (MANE Select); coding-DNA position 403, A replaced by T.
Protein change: p.Ile135Leu; replaces isoleucine 135 with leucine.
Molecular consequence: missense variant.
Genome position (GRCh38, 1-based): chr15:50,748,160, T>A on the plus strand (A>T on the coding strand, the complement: SPPL2A is on the minus strand). VCF-style: chr15-50748160-T-A. GRCh37 (hg19) VCF-style: chr15-51040357-T-A.
Other names: c.403A>T (NM_032802.3); short protein forms I135L.
Identifiers: ClinVar variation 1507111 (VCV001507111.9), dbSNP rs2141051520, ClinGen allele CA392413976.
Genomic context (GRCh38, chr15:50,748,160, plus strand): 5'-ATTGCTAATTTACCTGGTTCATATCTCTAAAGTCTTTGTAGCTTATAAATGCAATCAGTA[T>A]TTTCACATCAGGAAATTCAGATCTGTTACCTGAGGGAGGAAACTAAAAAAGAAAAAATTA-3'
Protein context (NP_116191.2, residues 125-145): GNRSEFPDVK[Ile135Leu]LIAFISYKDF